The following is an entry in ClinVar:

NM_000128.4(F11):c.668del (p.Ala223fs)

Gene: F11 (coagulation factor XI; plus strand). Cytogenetic location: 4q35.2.
Variant type: Deletion.
Coding change: c.668del on transcript NM_000128.4 (MANE Select); coding-DNA position 668, one base deleted (C; older notation c.668delC).
Protein change: p.Ala223fs; shifts the reading frame from alanine 223.
Molecular consequence: frameshift variant.
Genome position (GRCh38, 1-based): chr4:186,276,303, C deleted. VCF-style (leftmost placement, unchanged base first): chr4-186276302-GC-G. GRCh37 (hg19) VCF-style: chr4-187197456-GC-G.
Other names: short protein forms A223fs.
Identifiers: ClinVar variation 1725373 (VCV001725373.2), dbSNP rs2477278563, ClinGen allele CA2580071717.
Genomic context (GRCh38, chr4:186,276,302, plus strand): 5'-GACATTTTCCCTAATACGGTGTTTGCAGACAGCAACATCGACAGTGTCATGGCTCCCGAT[GC>G]TTTTGTCTGTGGCCGAATCTGCACTCATCATCCCGGTTGCTTGTTTTTTACCTTCTTTTC-3'

ClinVar aggregate classification (germline): Likely pathogenic (1 of 4 stars; one submission).

Conditions:
Hereditary factor XI deficiency disease. Also called: Congenital factor XI deficiency; PLASMA THROMBOPLASTIN ANTECEDENT DEFICIENCY; PTA DEFICIENCY; ROSENTHAL SYNDROME. Identifiers: Orphanet 329, MedGen C0015523, MeSH D005173, MONDO:0012897, OMIM 612416.

Submission:

Myriad Genetics, Inc.
Classification: Likely pathogenic for Hereditary factor XI deficiency disease. Last evaluated: 2022-03-17. Review status: criteria provided, single submitter. Criteria: Myriad Women's Health Autosomal Recessive and X-Linked Classification Criteria (2021). Collection method: clinical testing. Allele origin: unknown.
Comment: NM_000128.3(F11):c.668delC(A223Vfs*126) is expected to be pathogenic in the context of factor XI deficiency. This variant is predicted to lead to an abnormal or absent protein product due to the creation of a premature termination codon in F11, a gene where loss-of-function variants are known to be pathogenic. Please note: this variant was assessed in the context of healthy population screening.